The following is an entry in ClinVar:

ClinVar aggregate classification (germline): Pathogenic/Likely pathogenic. Review status: criteria provided, multiple submitters, no conflicts (2 of 4 stars). 3 submissions from 3 submitters: Pathogenic (2); Likely pathogenic (1). Last evaluated 2023-06-16.

Conditions:
BEST1-related disorder. Also called: BEST1-related disorders; BEST1-related condition. Identifiers: MedGen CN239200.

Submissions (3):

Labcorp Genetics (formerly Invitae), Labcorp
Classification: Pathogenic. Last evaluated: 2023-06-16. Review status: criteria provided, single submitter. Criteria: Invitae Variant Classification Sherloc (09022015). Collection method: clinical testing. Allele origin: germline.
Comment: For these reasons, this variant has been classified as Pathogenic. ClinVar contains an entry for this variant (Variation ID: 817977). This variant has not been reported in the literature in individuals affected with BEST1-related conditions. This variant is not present in population databases (gnomAD no frequency). This sequence change creates a premature translational stop signal (p.Gly112Serfs*50) in the BEST1 gene. It is expected to result in an absent or disrupted protein product. Loss-of-function variants in BEST1 are known to be pathogenic (PMID: 21825197).

Blueprint Genetics
Classification: Likely pathogenic for BEST1-related disorders. Last evaluated: 2022-11-04. Review status: criteria provided, single submitter. Criteria: ACMG Guidelines, 2015. Collection method: clinical testing. Allele origin: germline. Affected: yes. Observed: 1 variant allele.

GeneDx
Classification: Pathogenic. Last evaluated: 2019-01-16. Review status: criteria provided, single submitter. Criteria: GeneDx Variant Classification (06012015). Collection method: clinical testing. Allele origin: germline. Affected: yes.
Comment: The c.334_340delGGCTTCG variant in the BEST1 gene has not been reported previously as a pathogenic variant nor as a benign variant, to our knowledge. The c.334_340delGGCTTCG variant causes a frameshift starting with codon Glycine 112, changes this amino acid to a Serine residue, and creates a premature Stop codon at position 50 of the new reading frame, denoted p.Gly112SerfsX50. This variant is predicted to cause loss of normal protein function either through protein truncation or nonsense-mediated mRNA decay. The c.334_340delGGCTTCG variant is not observed in large population cohorts (Lek et al., 2016). We interpret c.334_340delGGCTTCG as a pathogenic variant.

Literature cited by the submitters: PubMed 21825197 (cited by Labcorp Genetics (formerly Invitae), Labcorp).

NM_004183.4(BEST1):c.334_340del (p.Gly112fs)

Gene: BEST1 (bestrophin 1; plus strand). Cytogenetic location: 11q12.3.
Variant type: Deletion.
Coding change: c.334_340del on transcript NM_004183.4 (MANE Select); coding-DNA positions 334 to 340, 7 bases deleted (GGCTTCG; older notation c.334_340delGGCTTCG).
Protein change: p.Gly112fs; shifts the reading frame from glycine 112.
Molecular consequence: frameshift variant. On other transcripts: non-coding transcript variant (1).
Genome position (GRCh38, 1-based): chr11:61,955,804-61,955,810, GGCTTCG deleted; deleting any 7 consecutive bases within chr11:61,955,801-61,955,810 gives the same sequence; the c. name uses the placement nearest the transcript's 3' end. VCF-style (leftmost placement, unchanged base first): chr11-61955800-GTCGGGCT-G. GRCh37 (hg19) VCF-style: chr11-61723272-GTCGGGCT-G.
Other names: c.154_160delGGCTTCG, p.Gly52Serfs (NM_001139443.3); c.154_160del, p.Gly52fs (NM_001300786.2, NM_001300787.2); c.16_22delGGCTTCG, p.Gly6Serfs (NM_001363591.3); c.334_340delGGCTTCG, p.Gly112Serfs (NM_001363592.2); c.-842_-836delGGCTTCG (NM_001363593.3); short protein forms G112fs, G6fs, G52fs.
Identifiers: ClinVar variation 817977 (VCV000817977.10), dbSNP rs1591284015, ClinGen allele CA915948854.